The following is an entry in ClinVar:

ClinVar aggregate classification (germline): Uncertain significance (1 of 4 stars; one submission).

Allele frequency attached by ClinVar (database versions not stated): gnomAD exomes below 0.00001.
gnomAD v4.1: 1 of 1,610,590 alleles (0.000062%); highest among the groups gnomAD compares: Non-Finnish European, 0.000085%; no homozygotes.

Submission:

Labcorp Genetics (formerly Invitae), Labcorp
Classification: Uncertain significance. Last evaluated: 2022-10-24. Review status: criteria provided, single submitter. Criteria: Invitae Variant Classification Sherloc (09022015). Collection method: clinical testing. Allele origin: germline.
Comment: In summary, the available evidence is currently insufficient to determine the role of this variant in disease. Therefore, it has been classified as a Variant of Uncertain Significance. Algorithms developed to predict the effect of missense changes on protein structure and function output the following: SIFT: "Tolerated"; PolyPhen-2: "Benign"; Align-GVGD: "Class C0". The threonine amino acid residue is found in multiple mammalian species, which suggests that this missense change does not adversely affect protein function. ClinVar contains an entry for this variant (Variation ID: 1373519). This variant has not been reported in the literature in individuals affected with WDR62-related conditions. This variant is not present in population databases (gnomAD no frequency). This sequence change replaces proline, which is neutral and non-polar, with threonine, which is neutral and polar, at codon 1274 of the WDR62 protein (p.Pro1274Thr).

NM_001083961.2(WDR62):c.3820C>A (p.Pro1274Thr)

Gene: WDR62 (WD repeat domain 62; plus strand). Cytogenetic location: 19q13.12.
Variant type: single nucleotide variant.
Coding change: c.3820C>A on transcript NM_001083961.2 (MANE Select); coding-DNA position 3820, C replaced by A.
Protein change: p.Pro1274Thr; replaces proline 1274 with threonine.
Molecular consequence: missense variant.
Genome position (GRCh38, 1-based): chr19:36,103,648, C>A. VCF-style: chr19-36103648-C-A. GRCh37 (hg19) VCF-style: chr19-36594550-C-A.
Other names: c.3805C>A, p.Pro1269Thr (NM_173636.5); short protein forms P1269T, P1274T.
Identifiers: ClinVar variation 1373519 (VCV001373519.6), dbSNP rs2145879132, ClinGen allele CA405457955.